The following is an entry in ClinVar:

NM_153676.4(USH1C):c.2630G>A (p.Gly877Glu)

Gene: USH1C (USH1 protein network component harmonin; minus strand). Cytogenetic location: 11p15.1.
Variant type: single nucleotide variant.
Coding change: c.2630G>A on transcript NM_153676.4 (MANE Select); coding-DNA position 2630, G replaced by A.
Protein change: p.Gly877Glu; replaces glycine 877 with glutamic acid.
Molecular consequence: missense variant. On other transcripts: intron variant (2).
Genome position (GRCh38, 1-based): chr11:17,495,594, C>T on the plus strand (G>A on the coding strand, the complement: USH1C is on the minus strand). VCF-style: chr11-17495594-C-T. GRCh37 (hg19) VCF-style: chr11-17517141-C-T.
Other names: c.1589+1164G>A (NM_001297764.2); c.1646+1164G>A (NM_005709.4); short protein forms G877E.
Identifiers: ClinVar variation 504697 (VCV000504697.19), dbSNP rs371856107, ClinGen allele CA5904075.

ClinVar aggregate classification (germline): Conflicting classifications of pathogenicity. Review status: criteria provided, conflicting classifications (1 of 4 stars). 5 submissions from 5 submitters: Uncertain significance (4); Likely benign (1). Last evaluated 2026-04-30.

Conditions:
USH1C-related disorder. Also called: USH1C-related condition.

Allele frequency attached by ClinVar (database versions not stated): gnomAD exomes 0.00005 and 0.00009; TOPMed 0.00005; ExAC 0.00008; ESP Exome Variant Server 0.00008; gnomAD 0.00008 and 0.00009.
gnomAD v4.1: 95 of 1,614,070 alleles (0.0059%); highest among the groups gnomAD compares: Middle Eastern, 0.05%; no homozygotes.

Submissions (5):

PreventionGenetics, part of Exact Sciences
Classification: Uncertain significance for USH1C-related condition. Last evaluated: 2026-04-30. Review status: criteria provided, single submitter. Criteria: ACMG Guidelines, 2015. Collection method: clinical testing. Allele origin: germline.
Comment: The USH1C c.2630G>A variant is predicted to result in the amino acid substitution p.Gly877Glu. This variant was reported in the compound heterozygous state with a second potentially causative variant in a patient with inherited retinal disorder (O'Sullivan et al. 2012. PubMed ID: 22581970 ). This variant is reported in 0.036% of alleles in individuals of South Asian descent in gnomAD. At this time, the clinical significance of this variant is uncertain due to the absence of conclusive functional and genetic evidence.

GeneDx
Classification: Uncertain significance. Last evaluated: 2026-02-04. Review status: criteria provided, single submitter. Criteria: GeneDx Variant Classification Process June 2021. Collection method: clinical testing. Allele origin: germline. Affected: yes.
Comment: Identified with a second USH1C variant in a patient with retinitis pigmentosa in published literature (O'Sullivan et al., 2012), however, additional clinical information was not provided; In silico analysis suggests that this variant does not alter splicing; This variant is associated with the following publications: (PMID: 34426522, 22581970)

Blueprint Genetics
Classification: Uncertain significance. Last evaluated: 2023-12-18. Review status: criteria provided, single submitter. Criteria: ACMG Guidelines, 2015. Collection method: clinical testing. Allele origin: germline.

Labcorp Genetics (formerly Invitae), Labcorp
Classification: Likely benign. Last evaluated: 2023-08-21. Review status: criteria provided, single submitter. Criteria: Invitae Variant Classification Sherloc (09022015). Collection method: clinical testing. Allele origin: germline.

Laboratory for Molecular Medicine, Mass General Brigham Personalized Medicine
Classification: Uncertain significance. Last evaluated: 2016-06-30. Review status: criteria provided, single submitter. Criteria: LMM Criteria. Collection method: clinical testing. Allele origin: germline. Observed: 1 variant allele.
Comment: The p.Gly877Glu variant in USH1C has been reported in 1 individual with retiniti s pigmentosa who also had a second variant in USH1C (O'Sullivan 2012). This var iant has been identified in 7/16512 of South Asian chromosomes by the Exome Aggr egation Consortium (ExAC; dbSNP rs371856107); ho wever, its frequency is not high enough to rule out a pathogenic role. Computati onal prediction tools and conservation analyses do not provide strong support fo r or against an impact to the protein. In summary, the clinical significance of the p.Gly877Glu variant is uncertain.

Literature cited by the submitters: PubMed 22581970 (cited by Laboratory for Molecular Medicine, Mass General Brigham Personalized Medicine).